The following is an entry in ClinVar:

ClinVar aggregate classification (germline): Pathogenic (1 of 4 stars; one submission).

Conditions:
Neuronal ceroid lipofuscinosis. Also called: Neuronal Ceroid Lipofuscinoses. Identifiers: Orphanet 216, Orphanet 79263, MedGen C0027877, MONDO:0016295. Disease mechanism: loss of function.

Submission:

Labcorp Genetics (formerly Invitae), Labcorp
Classification: Pathogenic for Neuronal ceroid lipofuscinosis. Last evaluated: 2021-12-18. Review status: criteria provided, single submitter. Criteria: Invitae Variant Classification Sherloc (09022015). Collection method: clinical testing. Allele origin: germline.
Comment: ClinVar contains an entry for this variant (Variation ID: 1070933). For these reasons, this variant has been classified as Pathogenic. This variant has not been reported in the literature in individuals affected with CLN3-related conditions. This variant is not present in population databases (gnomAD no frequency). This sequence change creates a premature translational stop signal (p.Ser131Metfs*50) in the CLN3 gene. It is expected to result in an absent or disrupted protein product. Loss-of-function variants in CLN3 are known to be pathogenic (PMID: 9311735, 28542676).

Literature cited by the submitters: PubMed 9311735; PubMed 28542676.

NM_001042432.2(CLN3):c.392del (p.Ser131fs)

Gene: CLN3 (CLN3 lysosomal/endosomal transmembrane protein, battenin; minus strand). Cytogenetic location: 16p12.1.
Variant type: Deletion.
Coding change: c.392del on transcript NM_001042432.2 (MANE Select); coding-DNA position 392, one base deleted (G; older notation c.392delG).
Protein change: p.Ser131fs; shifts the reading frame from serine 131.
Molecular consequence: frameshift variant.
Genome position (GRCh38, 1-based): chr16:28,487,524, C deleted on the plus strand (G on the coding strand, the reverse complement: CLN3 is on the minus strand). VCF-style (leftmost placement, unchanged base first): chr16-28487523-AC-A. GRCh37 (hg19) VCF-style: chr16-28498844-AC-A.
Other names: c.392del, p.Ser131fs (NM_000086.2); c.320del, p.Ser107fs (NM_001286104.2); c.92del, p.Ser31fs (NM_001286105.2); c.158del, p.Ser53fs (NM_001286109.2); c.230del, p.Ser77fs (NM_001286110.2); short protein forms S107fs, S131fs, S31fs, S53fs, S77fs.
Identifiers: ClinVar variation 1070933 (VCV001070933.7), dbSNP rs2141714500, ClinGen allele CA2499223474.